The following is an entry in ClinVar:

ClinVar aggregate classification (germline): Pathogenic (1 of 4 stars; one submission).

Submission:

Labcorp Genetics (formerly Invitae), Labcorp
Classification: Pathogenic. Last evaluated: 2025-12-23. Review status: criteria provided, single submitter. Criteria: Invitae Variant Classification Sherloc (09022015). Collection method: clinical testing. Allele origin: germline.
Comment: This sequence change creates a premature translational stop signal (p.Glu1584Argfs*62) in the ADGRV1 gene. It is expected to result in an absent or disrupted protein product. Loss-of-function variants in ADGRV1 are known to be pathogenic (PMID: 19357117, 22135276, 22147658, 26226137, 30718709, 31047384, 32467589). This variant is not present in population databases (gnomAD no frequency). This variant has not been reported in the literature in individuals affected with ADGRV1-related conditions. For these reasons, this variant has been classified as Pathogenic.

Literature cited by the submitters: PubMed 19357117; PubMed 22135276; PubMed 22147658; PubMed 26226137; PubMed 30718709; PubMed 31047384; PubMed 32467589.

NM_032119.4(ADGRV1):c.4750del (p.Glu1584fs)

Gene: ADGRV1 (adhesion G protein-coupled receptor V1; plus strand). Cytogenetic location: 5q14.3.
Variant type: Deletion.
Coding change: c.4750del on transcript NM_032119.4 (MANE Select); coding-DNA position 4750, one base deleted (G; older notation c.4750delG).
Protein change: p.Glu1584fs; shifts the reading frame from glutamic acid 1584.
Molecular consequence: frameshift variant. On other transcripts: non-coding transcript variant (1).
Genome position (GRCh38, 1-based): chr5:90,658,276, G deleted. VCF-style (leftmost placement, unchanged base first): chr5-90658275-AG-A. GRCh37 (hg19) VCF-style: chr5-89954092-AG-A.
Other names: short protein forms E1584fs.
Identifiers: ClinVar variation 4732418 (VCV004732418.1).
Genomic context (GRCh38, chr5:90,658,275, plus strand): 5'-AACAATACAAAAAAGTGACAATGCAAATGGCTTGTTTGGTTTCACAGGAGCTTGTATACC[AG>A]AGGTAAGTAGTGAGCTTGGAGAATTTTGGATTTAAAAATTCATTGTAGGTGGATTTGTTT-3'